The following is an entry in ClinVar:

ClinVar aggregate classification (germline): Likely pathogenic (1 of 4 stars; one submission).

Submission:

GeneDx
Classification: Likely pathogenic. Last evaluated: 2013-05-17. Review status: criteria provided, single submitter. Criteria: GeneDx Variant Classification (06012015). Collection method: clinical testing. Allele origin: germline. Affected: yes.
Comment: A novel I249S missense change that is likely pathogenic was identified in the PDHA1 gene. It has not been published as a pathogenic variant, nor has it been reported as a benign polymorphism to our knowledge. The amino acid change is non-conservative as a non-polar Isoleucine residue is replaced by a polar Serine residue. This change occurs at a highly conserved position in the PDHA1 protein, and missense variants at nearby positions (Y243C, Y243S, R245G, P250L, P250T, R253G) have been reported in association with pyruvate dehydrogenase deficiency according to the Human Gene Mutation Database. Furthermore, multiple in-silico analysis programs predict that I249S is damaging to the PDHA1 protein. Therefore, I249S is a strong candidate for a pathogenic variant, however the possibility that it is a benign variant cannot be excluded.

NM_000284.4(PDHA1):c.746T>G (p.Ile249Ser)

Gene: PDHA1 (pyruvate dehydrogenase E1 subunit alpha 1; plus strand). Cytogenetic location: Xp22.12.
Variant type: single nucleotide variant.
Coding change: c.746T>G on transcript NM_000284.4 (MANE Select); coding-DNA position 746, T replaced by G.
Protein change: p.Ile249Ser; replaces isoleucine 249 with serine.
Molecular consequence: missense variant.
Genome position (GRCh38, 1-based): chrX:19,355,491, T>G. VCF-style: chrX-19355491-T-G. GRCh37 (hg19) VCF-style: chrX-19373609-T-G.
Other names: c.860T>G, p.Ile287Ser (NM_001173454.2); c.767T>G, p.Ile256Ser (NM_001173455.2); c.653T>G, p.Ile218Ser (NM_001173456.2); short protein forms I249S, I256S, I287S, I218S.
Identifiers: ClinVar variation 418402 (VCV000418402.2), dbSNP rs1064793225, ClinGen allele CA16621291.